The following is an entry in ClinVar:

ClinVar aggregate classification (germline): Likely pathogenic (1 of 4 stars; one submission).

Conditions:
DYRK1A-related disorder.

Submission:

PreventionGenetics, part of Exact Sciences
Classification: Likely pathogenic for DYRK1A-related condition. Last evaluated: 2026-01-08. Review status: criteria provided, single submitter. Criteria: ACMG Guidelines, 2015. Collection method: clinical testing. Allele origin: germline.
Comment: The DYRK1A c.2038delT variant is predicted to result in a frameshift and premature protein termination (p.Tyr680Thrfs*23). To our knowledge, this variant has not been reported in the literature or in a large population database (gnomAD), indicating this variant is rare. Frameshift variants in DYRK1A are expected to be pathogenic. This variant is interpreted as likely pathogenic.

NM_001347721.2(DYRK1A):c.2011del (p.Tyr671fs)

Gene: DYRK1A (dual specificity tyrosine phosphorylation regulated kinase 1A; plus strand). Cytogenetic location: 21q22.13.
Variant type: Deletion.
Coding change: c.2011del on transcript NM_001347721.2 (MANE Select); coding-DNA position 2011, one base deleted (T; older notation c.2011delT).
Protein change: p.Tyr671fs; shifts the reading frame from tyrosine 671.
Molecular consequence: frameshift variant. On other transcripts: 3 prime UTR variant (2).
Genome position (GRCh38, 1-based): chr21:37,512,277, T deleted. VCF-style (leftmost placement, unchanged base first): chr21-37512276-CT-C. GRCh37 (hg19) VCF-style: chr21-38884579-CT-C.
Other names: c.2011del, p.Tyr671fs (NM_001347722.2, NM_130436.2); c.1924del, p.Tyr642fs (NM_001347723.2); c.2038del, p.Tyr680fs (NM_001396.5); c.*414del (NM_101395.2); c.*323del (NM_130438.2); short protein forms Y671fs, Y680fs, Y642fs.
Identifiers: ClinVar variation 4992823 (VCV004992823.1).